The following is an entry in ClinVar:

ClinVar aggregate classification (germline): Benign/Likely benign. Review status: criteria provided, multiple submitters, no conflicts (2 of 4 stars). 11 submissions from 10 submitters: Benign (4); Likely benign (5). 2 of the submissions do not count toward it. Last evaluated 2026-05-12.

Conditions:
Type 2 collagenopathy. Identifiers: Orphanet 93421, MedGen C2931073, MONDO:0022800.
Stickler syndrome type 1 (STL1). Also called: COL2A1-Related Stickler Syndrome; ARTHROOPHTHALMOPATHY, HEREDITARY PROGRESSIVE; STICKLER SYNDROME, MEMBRANOUS VITREOUS TYPE; STICKLER SYNDROME, VITREOUS TYPE 1. Identifiers: Orphanet 828, Orphanet 90653, MedGen C2020284, MONDO:0007160, OMIM 108300.

Allele frequency attached by ClinVar (database versions not stated): ExAC 0.00058; 1000 Genomes Project 0.00120; 1000 Genomes Project 30x 0.00141; gnomAD 0.00146 and 0.00159; ESP Exome Variant Server 0.00161; TOPMed 0.00172; gnomAD exomes 0.00016 and 0.00048.
gnomAD v4.1: 470 of 1,613,688 alleles (0.029%); highest among the groups gnomAD compares: African/African-American, 0.55%; 1 homozygote.

Submissions (11):

Women's Health and Genetics/Laboratory Corporation of America, LabCorp
Classification: Likely benign. Last evaluated: 2026-05-12. Review status: criteria provided, single submitter. Criteria: LabCorp Variant Classification Summary - May 2015. Collection method: clinical testing. Allele origin: germline.

Labcorp Genetics (formerly Invitae), Labcorp
Classification: Benign. Last evaluated: 2026-01-29. Review status: criteria provided, single submitter. Criteria: Invitae Variant Classification Sherloc (09022015). Collection method: clinical testing. Allele origin: germline.

Blueprint Genetics
Classification: Likely benign. Last evaluated: 2024-07-30. Review status: criteria provided, single submitter. Criteria: ACMG Guidelines, 2015. Collection method: clinical testing. Allele origin: germline.

ARUP Laboratories, Molecular Genetics and Genomics, ARUP Laboratories
Classification: Benign. Last evaluated: 2024-02-29. Review status: criteria provided, single submitter. Criteria: ARUP Molecular Germline Variant Investigation Process 2024. Collection method: clinical testing. Allele origin: germline.

GeneDx
Classification: Likely benign. Last evaluated: 2018-04-09. Review status: criteria provided, single submitter. Criteria: GeneDx Variant Classification (06012015). Collection method: clinical testing. Allele origin: germline. Affected: yes.
Comment: This variant is considered likely benign or benign based on one or more of the following criteria: it is a conservative change, it occurs at a poorly conserved position in the protein, it is predicted to be benign by multiple in silico algorithms, and/or has population frequency not consistent with disease.

Illumina Laboratory Services, Illumina
Classification: Likely benign for Stickler syndrome type 1. Last evaluated: 2018-01-13. Review status: criteria provided, single submitter. Criteria: ICSL Variant Classification Criteria 13 December 2019. Collection method: clinical testing. Allele origin: germline.
Comment: This variant was observed in the ICSL laboratory as part of a predisposition screen in an ostensibly healthy population. It had not been previously curated by ICSL or reported in the Human Gene Mutation Database (HGMD: prior to June 1st, 2018), and was therefore a candidate for classification through an automated scoring system. Utilizing variant allele frequency, disease prevalence and penetrance estimates, and inheritance mode, an automated score was calculated to assess if this variant is too frequent to cause the disease. Based on the score and internal cut-off values, a variant classified as likely benign is not then subjected to further curation. The score for this variant resulted in a classification of likely benign for this disease.

Illumina Laboratory Services, Illumina
Classification: Benign for Type II Collagenopathies. Last evaluated: 2018-01-13. Review status: criteria provided, single submitter. Criteria: ICSL Variant Classification Criteria 13 December 2019. Collection method: clinical testing. Allele origin: germline.
Comment: This variant was observed in the ICSL laboratory as part of a predisposition screen in an ostensibly healthy population. It had not been previously curated by ICSL or reported in the Human Gene Mutation Database (HGMD: prior to June 1st, 2018), and was therefore a candidate for classification through an automated scoring system. Utilizing variant allele frequency, disease prevalence and penetrance estimates, and inheritance mode, an automated score was calculated to assess if this variant is too frequent to cause the disease. Based on the score and internal cut-off values, a variant classified as benign is not then subjected to further curation. The score for this variant resulted in a classification of benign for this disease.

Eurofins Ntd Llc (ga)
Classification: Benign. Last evaluated: 2015-10-08. Review status: criteria provided, single submitter. Criteria: EGL Classification Definitions 2015. Collection method: clinical testing. Allele origin: germline. Observed: 1 variant allele, 1 heterozygote.

Breakthrough Genomics
Classification: Likely benign. Review status: criteria provided, single submitter. Criteria: ACMG Guidelines, 2015. Collection method: not provided. Allele origin: germline. Inheritance: Autosomal dominant inheritance. Affected: yes.

Clinical Genetics DNA and cytogenetics Diagnostics Lab, Erasmus MC, Erasmus Medical Center
Classification: Likely benign. Review status: no assertion criteria provided. Collection method: clinical testing. Allele origin: germline. Affected: yes. Study: VKGL Data-share Consensus. Not counted in ClinVar's aggregate classification.

Clinical Genetics, Academic Medical Center
Classification: Benign. Review status: no assertion criteria provided. Collection method: clinical testing. Allele origin: germline. Affected: yes. Study: VKGL Data-share Consensus. Not counted in ClinVar's aggregate classification.

NM_001844.5(COL2A1):c.3003+9G>A

Gene: COL2A1 (collagen type II alpha 1 chain; minus strand). Cytogenetic location: 12q13.11.
Variant type: single nucleotide variant.
Coding change: c.3003+9G>A on transcript NM_001844.5 (MANE Select); 9 bases into the intron after coding-DNA position 3003, G replaced by A.
Molecular consequence: intron variant.
Genome position (GRCh38, 1-based): chr12:47,978,282, C>T on the plus strand (G>A on the coding strand, the complement: COL2A1 is on the minus strand). VCF-style: chr12-47978282-C-T. GRCh37 (hg19) VCF-style: chr12-48372065-C-T.
Other names: c.2796+9G>A (NM_033150.3).
Identifiers: ClinVar variation 283607 (VCV000283607.26), dbSNP rs200403247, ClinGen allele CA6534930.